The following is an entry in ClinVar:

NM_000038.6(APC):c.8432A>C (p.Asn2811Thr)

Gene: APC (APC regulator of Wnt signaling pathway; plus strand). Cytogenetic location: 5q22.2.
Variant type: single nucleotide variant.
Coding change: c.8432A>C on transcript NM_000038.6 (MANE Select); coding-DNA position 8432, A replaced by C.
Protein change: p.Asn2811Thr; replaces asparagine 2811 with threonine.
Molecular consequence: missense variant. On other transcripts: non-coding transcript variant (2).
Genome position (GRCh38, 1-based): chr5:112,844,026, A>C. VCF-style: chr5-112844026-A-C. GRCh37 (hg19) VCF-style: chr5-112179723-A-C.
Other names: c.8432A>C, p.Asn2811Thr (NM_001127510.3, NM_001354895.2, NM_001407450.1); c.8378A>C, p.Asn2793Thr (NM_001127511.3); c.8486A>C, p.Asn2829Thr (NM_001354896.2, NM_001407447.1, NM_001407448.1 and 1 more transcripts); c.8462A>C, p.Asn2821Thr (NM_001354897.2); c.8357A>C, p.Asn2786Thr (NM_001354898.2); c.8348A>C, p.Asn2783Thr (NM_001354899.2); c.8309A>C, p.Asn2770Thr (NM_001354900.2); c.8255A>C, p.Asn2752Thr (NM_001354901.2, NM_001407453.1); and 11 more; short protein forms N2710T, N2783T, N2786T, N2528T, N2651T, N2752T, N2770T, N2793T.
Identifiers: ClinVar variation 3699232 (VCV003699232.2).

ClinVar aggregate classification (germline): Uncertain significance (1 of 4 stars; one submission).

Conditions:
Familial adenomatous polyposis 1 (FAP1). Also called: FAMILIAL ADENOMATOUS POLYPOSIS 1, ATTENUATED; POLYPOSIS, ADENOMATOUS INTESTINAL. Identifiers: MedGen C2713442, MONDO:0021056, OMIM 175100. Disease mechanism: loss of function.

Submission:

Labcorp Genetics (formerly Invitae), Labcorp
Classification: Uncertain significance for Familial adenomatous polyposis 1. Last evaluated: 2024-09-19. Review status: criteria provided, single submitter. Criteria: Invitae Variant Classification Sherloc (09022015). Collection method: clinical testing. Allele origin: germline.
Comment: This sequence change replaces asparagine, which is neutral and polar, with threonine, which is neutral and polar, at codon 2811 of the APC protein (p.Asn2811Thr). This variant is not present in population databases (gnomAD no frequency). This variant has not been reported in the literature in individuals affected with APC-related conditions. Invitae Evidence Modeling of protein sequence and biophysical properties (such as structural, functional, and spatial information, amino acid conservation, physicochemical variation, residue mobility, and thermodynamic stability) indicates that this missense variant is not expected to disrupt APC protein function with a negative predictive value of 95%. In summary, the available evidence is currently insufficient to determine the role of this variant in disease. Therefore, it has been classified as a Variant of Uncertain Significance.